The following is an entry in ClinVar:

ClinVar aggregate classification (germline): Uncertain significance (1 of 4 stars; one submission).

Conditions:
Ataxia-telangiectasia syndrome (AT). Also called: Cerebello-oculocutaneous telangiectasia; Immunodeficiency with ataxia telangiectasia; Ataxia-telangiectasia, complementation group E; Ataxia-telangiectasia, complementation group D; AT, COMPLEMENTATION GROUP C; ATAXIA-TELANGIECTASIA, COMPLEMENTATION GROUP A. Identifiers: Orphanet 100, MedGen C0004135, MONDO:0008840, OMIM 208900.

Submission:

Labcorp Genetics (formerly Invitae), Labcorp
Classification: Uncertain significance for Ataxia-telangiectasia syndrome. Last evaluated: 2018-05-07. Review status: criteria provided, single submitter. Criteria: Invitae Variant Classification Sherloc (09022015). Collection method: clinical testing. Allele origin: germline.
Comment: This variant has not been reported in the literature in individuals with ATM-related disease. In summary, the available evidence is currently insufficient to determine the role of this variant in disease. Therefore, it has been classified as a Variant of Uncertain Significance. Algorithms developed to predict the effect of sequence changes on RNA splicing suggest that this variant may create or strengthen a splice site, but this prediction has not been confirmed by published transcriptional studies. Algorithms developed to predict the effect of missense changes on protein structure and function do not agree on the potential impact of this missense change (SIFT: "Tolerated"; PolyPhen-2: "Possibly Damaging"; Align-GVGD: "Class C0"). This variant is not present in population databases (ExAC no frequency). This sequence change replaces leucine with valine at codon 2173 of the ATM protein (p.Leu2173Val). The leucine residue is highly conserved and there is a small physicochemical difference between leucine and valine.

NM_000051.4(ATM):c.6517C>G (p.Leu2173Val)

Genes: ATM (ATM serine/threonine kinase; plus strand), C11orf65 (chromosome 11 open reading frame 65; minus strand). Cytogenetic location: 11q22.3.
Variant type: single nucleotide variant.
Coding change: c.6517C>G on transcript NM_000051.4 (MANE Select); coding-DNA position 6517, C replaced by G.
Protein change: p.Leu2173Val; replaces leucine 2173 with valine.
Molecular consequence: missense variant. On other transcripts: intron variant (2).
Genome position (GRCh38, 1-based): chr11:108,321,365, C>G. VCF-style: chr11-108321365-C-G. GRCh37 (hg19) VCF-style: chr11-108192092-C-G.
Other names: c.6517C>G, p.Leu2173Val (NM_001351834.2); c.641-12294G>C (NM_001330368.2); c.*39-12294G>C (NM_001351110.2); short protein forms L2173V.
Identifiers: ClinVar variation 569931 (VCV000569931.9), dbSNP rs1565511354, ClinGen allele CA382554153.